The following is an entry in ClinVar:

NM_198569.3(ADGRG6):c.2470G>C (p.Ala824Pro)

Gene: ADGRG6 (adhesion G protein-coupled receptor G6; plus strand). Cytogenetic location: 6q24.2.
Variant type: single nucleotide variant.
Coding change: c.2470G>C on transcript NM_198569.3 (MANE Select); coding-DNA position 2470, G replaced by C.
Protein change: p.Ala824Pro; replaces alanine 824 with proline.
Molecular consequence: missense variant.
Genome position (GRCh38, 1-based): chr6:142,411,340, G>C. VCF-style: chr6-142411340-G-C. GRCh37 (hg19) VCF-style: chr6-142732477-G-C.
Other names: c.2386G>C, p.Ala796Pro (NM_001032394.3, NM_001032395.3); c.2470G>C, p.Ala824Pro (NM_020455.6); short protein forms A824P, A796P.
Identifiers: ClinVar variation 1029348 (VCV001029348.1), dbSNP rs1443422483, ClinGen allele CA365826023.

ClinVar aggregate classification (germline): Uncertain significance (1 of 4 stars; one submission).

Conditions:
Lethal congenital contracture syndrome 9 (LCCS9). Identifiers: MedGen C4225303, MONDO:0014670, OMIM 616503.

Submission:

Baylor Genetics
Classification: Uncertain significance for Lethal congenital contracture syndrome 9. Last evaluated: 2020-01-16. Review status: criteria provided, single submitter. Criteria: ACMG Guidelines, 2015. Collection method: clinical testing. Allele origin: unknown. Affected: yes.
Comment: This variant was determined to be of uncertain significance according to ACMG Guidelines, 2015 [PMID:25741868].